The following is an entry in ClinVar:

NM_001844.5(COL2A1):c.763-19TC[8]

Gene: COL2A1 (collagen type II alpha 1 chain; minus strand). Cytogenetic location: 12q13.11.
Variant type: Microsatellite.
Coding change: c.763-19TC[8] on transcript NM_001844.5 (MANE Select); eight copies in a row of the 2-base unit TC starting at c.763-19; the reference has six copies in a row; two copies, 4 bases duplicated.
Molecular consequence: intron variant.
Genome position (GRCh38, 1-based): chr12:47,994,485-47,994,488, GAGA duplicated on the plus strand (TCTC on the coding strand, the reverse complement: COL2A1 is on the minus strand); duplicating any 4 consecutive bases within chr12:47,994,485-47,994,496 gives the same sequence; the position shown is the placement nearest the transcript's 3' end. VCF-style (leftmost placement, unchanged base first): chr12-47994484-G-GGAGA. GRCh37 (hg19) VCF-style: chr12-48388267-G-GGAGA.
Other names: c.556-19TC[8] (NM_033150.3).
Identifiers: ClinVar variation 4978018 (VCV004978018.1).

ClinVar aggregate classification (germline): Likely benign (1 of 4 stars; one submission).

Conditions:
COL2A1-related disorder. Also called: COL2A1-related condition; COL2A1-related disorders.

Submission:

PreventionGenetics, part of Exact Sciences
Classification: Likely benign for COL2A1-related condition. Last evaluated: 2025-11-13. Review status: criteria provided, single submitter. Criteria: ACMG Guidelines, 2015. Collection method: clinical testing. Allele origin: germline.
Comment: This variant is classified as likely benign based on ACMG/AMP sequence variant interpretation guidelines (Richards et al. 2015 PMID: 25741868, with internal and published modifications).